The following is an entry in ClinVar:

ClinVar aggregate classification (germline): Uncertain significance (1 of 4 stars; one submission).

Allele frequency attached by ClinVar (database versions not stated): TOPMed 0.00001.

Submission:

GeneDx
Classification: Uncertain significance. Last evaluated: 2023-05-07. Review status: criteria provided, single submitter. Criteria: GeneDx Variant Classification Process June 2021. Collection method: clinical testing. Allele origin: germline. Affected: yes.
Comment: Not observed at significant frequency in large population cohorts (gnomAD); In silico analysis supports that this missense variant has a deleterious effect on protein structure/function; Has not been previously published as pathogenic or benign to our knowledge

NM_003024.3(ITSN1):c.2330G>T (p.Ser777Ile)

Gene: ITSN1 (intersectin 1; plus strand). Cytogenetic location: 21q22.11.
Variant type: single nucleotide variant.
Coding change: c.2330G>T on transcript NM_003024.3 (MANE Select); coding-DNA position 2330, G replaced by T.
Protein change: p.Ser777Ile; replaces serine 777 with isoleucine.
Molecular consequence: missense variant.
Genome position (GRCh38, 1-based): chr21:33,810,985, G>T. VCF-style: chr21-33810985-G-T. GRCh37 (hg19) VCF-style: chr21-35183289-G-T.
Other names: c.2330G>T, p.Ser777Ile (NM_001001132.2, NM_001331008.2); c.2315G>T, p.Ser772Ile (NM_001331009.2, NM_001331010.2, NM_001331011.2); c.2204G>T, p.Ser735Ile (NM_001331012.2); short protein forms S735I, S772I, S777I.
Identifiers: ClinVar variation 2662070 (VCV002662070.1), dbSNP rs2072870438, ClinGen allele CA410137537.